The following is an entry in ClinVar:

NM_000051.4(ATM):c.6682A>C (p.Thr2228Pro)

Genes: ATM (ATM serine/threonine kinase; plus strand), C11orf65 (chromosome 11 open reading frame 65; minus strand). Cytogenetic location: 11q22.3.
Variant type: single nucleotide variant.
Coding change: c.6682A>C on transcript NM_000051.4 (MANE Select); coding-DNA position 6682, A replaced by C.
Protein change: p.Thr2228Pro; replaces threonine 2228 with proline.
Molecular consequence: missense variant. On other transcripts: intron variant (2).
Genome position (GRCh38, 1-based): chr11:108,325,419, A>C. VCF-style: chr11-108325419-A-C. GRCh37 (hg19) VCF-style: chr11-108196146-A-C.
Other names: c.6682A>C, p.Thr2228Pro (NM_001351834.2); c.641-16348T>G (NM_001330368.2); c.*38+9801T>G (NM_001351110.2); short protein forms T2228P.
Identifiers: ClinVar variation 3452359 (VCV003452359.1).

ClinVar aggregate classification (germline): Uncertain significance (1 of 4 stars; one submission).

Conditions:
Hereditary cancer-predisposing syndrome. Also called: Tumor predisposition; Hereditary Cancer Syndrome; Neoplastic Syndromes, Hereditary; Hereditary neoplastic syndrome. Identifiers: Orphanet 140162, MedGen C0027672, MeSH D009386, MONDO:0015356.

Submission:

Ambry Genetics
Classification: Uncertain significance for Hereditary cancer-predisposing syndrome. Last evaluated: 2024-11-02. Review status: criteria provided, single submitter. Criteria: Ambry Variant Classification Scheme 2023. Collection method: clinical testing. Allele origin: germline.
Comment: The p.T2228P variant (also known as c.6682A>C), located in coding exon 45 of the ATM gene, results from an A to C substitution at nucleotide position 6682. The threonine at codon 2228 is replaced by proline, an amino acid with highly similar properties. This amino acid position is conserved. In addition, the in silico prediction for this alteration is inconclusive. Based on the available evidence, the clinical significance of this variant remains unclear.